The following is an entry in ClinVar:

ClinVar aggregate classification (germline): Pathogenic (1 of 4 stars; one submission).

Conditions:
Multiple mitochondrial dysfunctions syndrome 3 (MMDS3). Identifiers: Orphanet 363424, MedGen C3809165, MONDO:0014132, OMIM 615330.
Hereditary spastic paraplegia 74. Also called: Spastic paraplegia 74, autosomal recessive. Identifiers: Orphanet 468661, MedGen C5568837, MONDO:0014644, OMIM 616451.

Submission:

Labcorp Genetics (formerly Invitae), Labcorp
Classification: Pathogenic for Multiple mitochondrial dysfunctions syndrome 3; Hereditary spastic paraplegia 74. Last evaluated: 2022-05-21. Review status: criteria provided, single submitter. Criteria: Invitae Variant Classification Sherloc (09022015). Collection method: clinical testing. Allele origin: germline.
Comment: For these reasons, this variant has been classified as Pathogenic. This variant has not been reported in the literature in individuals affected with IBA57-related conditions. This variant is not present in population databases (gnomAD no frequency). This sequence change creates a premature translational stop signal (p.Ala25Glyfs*52) in the IBA57 gene. It is expected to result in an absent or disrupted protein product. Loss-of-function variants in IBA57 are known to be pathogenic (PMID: 23462291, 25971455, 27785568, 28671726).

Literature cited by the submitters: PubMed 23462291; PubMed 25971455; PubMed 27785568; PubMed 28671726.

NM_001010867.4(IBA57):c.74_75del (p.Ala25fs)

Gene: IBA57 (iron-sulfur cluster assembly factor IBA57; plus strand). Cytogenetic location: 1q42.13.
Variant type: Microsatellite.
Coding change: c.74_75del on transcript NM_001010867.4 (MANE Select); coding-DNA positions 74 to 75, 2 bases deleted (CG; older notation c.74_75delCG).
Protein change: p.Ala25fs; shifts the reading frame from alanine 25.
Molecular consequence: frameshift variant.
Genome position (GRCh38, 1-based): chr1:228,165,890-228,165,891, CG deleted; deleting any 2 consecutive bases within chr1:228,165,885-228,165,891 gives the same sequence; the c. name uses the placement nearest the transcript's 3' end. VCF-style (leftmost placement, unchanged base first): chr1-228165884-TGC-T. GRCh37 (hg19) VCF-style: chr1-228353585-TGC-T.
Other names: short protein forms A25fs.
Identifiers: ClinVar variation 1997279 (VCV001997279.4), dbSNP rs1454220856, ClinGen allele CA529465575.